The following is an entry in ClinVar:

ClinVar aggregate classification (germline): Uncertain significance. Review status: criteria provided, multiple submitters, no conflicts (2 of 4 stars). 2 submissions from 2 submitters: Uncertain significance (2). Last evaluated 2024-09-03.

Conditions:
Early-infantile DEE. Also called: Ohtahara syndrome; Early infantile epileptic encephalopathy; Early infantile epileptic encephalopathy with suppression bursts. Identifiers: Orphanet 1934, MedGen C0393706, MONDO:0800491.

Allele frequency attached by ClinVar (database versions not stated): ExAC 0.00001; gnomAD 0.00001; TOPMed 0.00001; gnomAD exomes 0.00002 and 0.00005.
gnomAD v4.1: 79 of 1,613,884 alleles (0.0049%); highest among the groups gnomAD compares: Non-Finnish European, 0.0065%; no homozygotes.

Submissions (2):

Labcorp Genetics (formerly Invitae), Labcorp
Classification: Uncertain significance for Early-infantile DEE. Last evaluated: 2024-09-03. Review status: criteria provided, single submitter. Criteria: Invitae Variant Classification Sherloc (09022015). Collection method: clinical testing. Allele origin: germline.
Comment: This sequence change replaces arginine, which is basic and polar, with tryptophan, which is neutral and slightly polar, at codon 566 of the SPTAN1 protein (p.Arg566Trp). This variant is present in population databases (rs773019990, gnomAD 0.004%). This missense change has been observed in individual(s) with clinical features of developmental and epileptic encephalopathy (internal data). ClinVar contains an entry for this variant (Variation ID: 1386738). Invitae Evidence Modeling of protein sequence and biophysical properties (such as structural, functional, and spatial information, amino acid conservation, physicochemical variation, residue mobility, and thermodynamic stability) has been performed for this missense variant. However, the output from this modeling did not meet the statistical confidence thresholds required to predict the impact of this variant on SPTAN1 protein function. In summary, the available evidence is currently insufficient to determine the role of this variant in disease. Therefore, it has been classified as a Variant of Uncertain Significance.

Mayo Clinic Laboratories, Mayo Clinic
Classification: Uncertain significance. Last evaluated: 2023-05-02. Review status: criteria provided, single submitter. Criteria: ACMG Guidelines, 2015. Collection method: clinical testing. Allele origin: germline. Observed: 1 variant allele.
Comment: BS2

NM_001130438.3(SPTAN1):c.1696C>T (p.Arg566Trp)

Gene: SPTAN1 (spectrin alpha, non-erythrocytic 1; plus strand). Cytogenetic location: 9q34.11.
Variant type: single nucleotide variant.
Coding change: c.1696C>T on transcript NM_001130438.3 (MANE Select); coding-DNA position 1696, C replaced by T.
Protein change: p.Arg566Trp; replaces arginine 566 with tryptophan.
Molecular consequence: missense variant.
Genome position (GRCh38, 1-based): chr9:128,582,739, C>T. VCF-style: chr9-128582739-C-T. GRCh37 (hg19) VCF-style: chr9-131345018-C-T.
Other names: p.Arg566Trp; c.1696C>T, p.Arg566Trp (NM_001195532.2, NM_001363759.2, NM_001363765.2 and 5 more transcripts); c.1732C>T, p.Arg578Trp (NM_001375312.2, NM_001375318.1); short protein forms R566W, R578W.
Identifiers: ClinVar variation 1386738 (VCV001386738.10), dbSNP rs773019990, ClinGen allele CA5264493.